The following is an entry in ClinVar:

ClinVar aggregate classification (germline): Pathogenic (1 of 4 stars; one submission).

Conditions:
Anophthalmia-microphthalmia syndrome. Also called: Anophthalmia - microphthalmia; Anophthalmia/Microphthalmia. Identifiers: Orphanet 98555, MedGen C5680330, MONDO:0020147.

Submission:

Labcorp Genetics (formerly Invitae), Labcorp
Classification: Pathogenic for Anophthalmia-microphthalmia syndrome. Last evaluated: 2022-06-02. Review status: criteria provided, single submitter. Criteria: Invitae Variant Classification Sherloc (09022015). Collection method: clinical testing. Allele origin: germline.
Comment: For these reasons, this variant has been classified as Pathogenic. This variant disrupts a region of the OTX2 protein in which other variant(s) (p.Ala236Ser) have been determined to be pathogenic (Invitae). This suggests that this is a clinically significant region of the protein, and that variants that disrupt it are likely to be disease-causing. This variant has not been reported in the literature in individuals affected with OTX2-related conditions. This variant is not present in population databases (gnomAD no frequency). This sequence change creates a premature translational stop signal (p.Gln98*) in the OTX2 gene. While this is not anticipated to result in nonsense mediated decay, it is expected to disrupt the last 192 amino acid(s) of the OTX2 protein.

NM_021728.4(OTX2):c.316C>T (p.Gln106Ter)

Gene: OTX2 (orthodenticle homeobox 2; minus strand). Cytogenetic location: 14q22.3.
Variant type: single nucleotide variant.
Coding change: c.316C>T on transcript NM_021728.4 (MANE Select); coding-DNA position 316, C replaced by T.
Protein change: p.Gln106Ter; replaces glutamine 106 with a stop codon.
Molecular consequence: nonsense. On other transcripts: non-coding transcript variant (2).
Genome position (GRCh38, 1-based): chr14:56,802,313, G>A on the plus strand (C>T on the coding strand, the complement: OTX2 is on the minus strand). VCF-style: chr14-56802313-G-A. GRCh37 (hg19) VCF-style: chr14-57269031-G-A.
Other names: c.292C>T, p.Gln98Ter (NM_001270523.2, NM_001270524.2, NM_172337.3); c.316C>T, p.Gln106Ter (NM_001270525.2); short protein forms Q106*, Q98*.
Identifiers: ClinVar variation 2124422 (VCV002124422.4), dbSNP rs2503898831, ClinGen allele CA390052119.